The following is an entry in ClinVar:

ClinVar aggregate classification (germline): Benign/Likely benign. Review status: criteria provided, multiple submitters, no conflicts (2 of 4 stars). 4 submissions from 4 submitters: Benign (1); Likely benign (3). Last evaluated 2026-07-30.

Conditions:
Hereditary pheochromocytoma and paraganglioma. Also called: Hereditary paragangliomas and pheochromocytomas; Hereditary Paraganglioma-Pheochromocytoma Syndromes; Hereditary pheochromocytoma-paraganglioma. Identifiers: Orphanet 29072, MedGen C4274332, MONDO:0017366.
Hereditary cancer-predisposing syndrome. Also called: Tumor predisposition; Neoplastic Syndromes, Hereditary; Hereditary Cancer Syndrome; Hereditary neoplastic syndrome. Identifiers: Orphanet 140162, MedGen C0027672, MeSH D009386, MONDO:0015356.

Allele frequency attached by ClinVar (database versions not stated): TOPMed 0.00002; gnomAD 0.00001; gnomAD exomes 0.00001.
gnomAD v4.1: 10 of 1,614,040 alleles (0.00062%); highest among the groups gnomAD compares: African/African-American, 0.0027%; no homozygotes.

Submissions (4):

Myriad Genetics, Inc.
Classification: Benign for Hereditary pheochromocytoma and paraganglioma. Last evaluated: 2026-07-30. Review status: criteria provided, single submitter. Criteria: Myriad Autosomal Dominant, Autosomal Recessive and X-Linked Classification Criteria (2023). Collection method: clinical testing. Allele origin: unknown.
Comment: This variant is considered benign. This variant is a silent/synonymous amino acid change and it is not expected to impact splicing.

Labcorp Genetics (formerly Invitae), Labcorp
Classification: Likely benign for Hereditary pheochromocytoma and paraganglioma. Last evaluated: 2025-12-22. Review status: criteria provided, single submitter. Criteria: Invitae Variant Classification Sherloc (09022015). Collection method: clinical testing. Allele origin: germline.

Blueprint Genetics
Classification: Likely benign. Last evaluated: 2024-10-21. Review status: criteria provided, single submitter. Criteria: ACMG Guidelines, 2015. Collection method: clinical testing. Allele origin: germline.

Ambry Genetics
Classification: Likely benign for Hereditary cancer-predisposing syndrome. Last evaluated: 2016-06-06. Review status: criteria provided, single submitter. Criteria: Ambry Variant Classification Scheme 2023. Collection method: clinical testing. Allele origin: germline.

NM_017849.4(TMEM127):c.333C>T (p.Phe111=)

Gene: TMEM127 (transmembrane protein 127; minus strand). Cytogenetic location: 2q11.2.
Variant type: single nucleotide variant.
Coding change: c.333C>T on transcript NM_017849.4 (MANE Select); coding-DNA position 333, C replaced by T.
Protein change: p.Phe111=; no amino-acid change (phenylalanine 111 retained).
Molecular consequence: synonymous variant.
Genome position (GRCh38, 1-based): chr2:96,254,909, G>A on the plus strand (C>T on the coding strand, the complement: TMEM127 is on the minus strand). VCF-style: chr2-96254909-G-A. GRCh37 (hg19) VCF-style: chr2-96920647-G-A.
Other names: c.333C>T, p.Phe111= (NM_001193304.3).
Identifiers: ClinVar variation 486541 (VCV000486541.16), dbSNP rs1467642553, ClinGen allele CA427495464.
Genomic context (GRCh38, chr2:96,254,909, plus strand): 5'-GAAGGCATAGCGACGAGTGATCTTCAGAGCAGGATGCTTCGGCCCAAAGACATCCAGAAG[G>A]AAAGCGGAGAGACTACACAGGATGCCCAGGAAACAGAAGGCGGCGATGACCCGCAGGAGC-3'
Protein context (NP_060319.1, residues 101-121): FLGILCSLSA[Phe111=]LLDVFGPKHP